The following is an entry in ClinVar:

NM_006312.6(NCOR2):c.4701G>A (p.Pro1567=)

Gene: NCOR2 (nuclear receptor corepressor 2; minus strand). Cytogenetic location: 12q24.31.
Variant type: single nucleotide variant.
Coding change: c.4701G>A on transcript NM_006312.6 (MANE Select); coding-DNA position 4701, G replaced by A.
Protein change: p.Pro1567=; no amino-acid change (proline 1567 retained).
Molecular consequence: synonymous variant.
Genome position (GRCh38, 1-based): chr12:124,344,610, C>T on the plus strand (G>A on the coding strand, the complement: NCOR2 is on the minus strand). VCF-style: chr12-124344610-C-T. GRCh37 (hg19) VCF-style: chr12-124829156-C-T.
Other names: c.4671G>A, p.Pro1557= (NM_001077261.4, NM_001206654.2); c.4701G>A (NM_006312.5).
Identifiers: ClinVar variation 2643552 (VCV002643552.25), dbSNP rs193097789, ClinGen allele CA6868214.

ClinVar aggregate classification (germline): Likely benign. Review status: criteria provided, single submitter (1 of 4 stars). 2 submissions from 2 submitters: Likely benign (1). 1 of the submissions does not count toward it. Last evaluated 2023-03-01.

Conditions:
NCOR2-related disorder. Also called: NCOR2-related condition.

Allele frequency attached by ClinVar (database versions not stated): 1000 Genomes Project 30x 0.00203; 1000 Genomes Project 0.00220; ExAC 0.00412; ESP Exome Variant Server 0.00439.
gnomAD v4.1: 10,360 of 1,452,766 alleles (0.71%); highest among the groups gnomAD compares: Non-Finnish European, 0.83%; 46 homozygotes.

Submissions (2):

CeGaT Center for Human Genetics Tuebingen
Classification: Likely benign. Last evaluated: 2023-03-01. Review status: criteria provided, single submitter. Criteria: CeGaT Center For Human Genetics Tuebingen Variant Classification Criteria Version 2. Collection method: clinical testing. Allele origin: germline. Affected: yes. Observed: 3 variant alleles.
Comment: NCOR2: BP4, BP7, BS2

PreventionGenetics, part of Exact Sciences
Classification: Likely benign for NCOR2-related condition. Last evaluated: 2019-05-01. Review status: no assertion criteria provided. Collection method: clinical testing. Allele origin: germline. Not counted in ClinVar's aggregate classification.
Comment: This variant is classified as likely benign based on ACMG/AMP sequence variant interpretation guidelines (Richards et al. 2015 PMID: 25741868, with internal and published modifications).